The following is an entry in ClinVar:

NM_000257.4(MYH7):c.531-3_531del

Gene: MYH7 (myosin heavy chain 7; minus strand). Cytogenetic location: 14q11.2.
Variant type: Deletion.
Coding change: c.531-3_531del on transcript NM_000257.4 (MANE Select); 3 bases into the intron before coding-DNA position 531 through coding-DNA position 531, 4 bases deleted (CAGC; older notation c.531-3_531delCAGC).
Molecular consequence: splice acceptor variant.
Genome position (GRCh38, 1-based): chr14:23,431,869-23,431,872, GCTG deleted on the plus strand (CAGC on the coding strand, the reverse complement: MYH7 is on the minus strand). VCF-style (leftmost placement, unchanged base first): chr14-23431868-CGCTG-C. GRCh37 (hg19) VCF-style: chr14-23901077-CGCTG-C.
Other names: c.531-3_531del (LRG_384t1).
Identifiers: ClinVar variation 43060 (VCV000043060.8), dbSNP rs397516242, ClinGen allele CA132072.

ClinVar aggregate classification (germline): Uncertain significance. Review status: criteria provided, multiple submitters, no conflicts (2 of 4 stars). 2 submissions from 2 submitters: Uncertain significance (2). Last evaluated 2024-04-02.

Conditions:
Hypertrophic cardiomyopathy. Also called: HYPERTROPHIC MYOCARDIOPATHY. Identifiers: Orphanet 217569, MedGen C0007194, MeSH D002312, MONDO:0005045, HP:0001639.

Allele frequency attached by ClinVar (database versions not stated): gnomAD exomes below 0.00001.

Submissions (2):

Labcorp Genetics (formerly Invitae), Labcorp
Classification: Uncertain significance for Hypertrophic cardiomyopathy. Last evaluated: 2024-04-02. Review status: criteria provided, single submitter. Criteria: Invitae Variant Classification Sherloc (09022015). Collection method: clinical testing. Allele origin: germline.
Comment: This variant results in the deletion of part of exon 7 (c.531-3_531del) of the MYH7 gene. It is expected to disrupt RNA splicing. Variants that disrupt the donor or acceptor splice site typically lead to a loss of protein function (PMID: 16199547), however the current clinical and genetic evidence is not sufficient to establish whether loss-of-function variants in MYH7 cause disease. This variant is not present in population databases (gnomAD no frequency). This variant has not been reported in the literature in individuals affected with MYH7-related conditions. ClinVar contains an entry for this variant (Variation ID: 43060). Algorithms developed to predict the effect of sequence changes on RNA splicing suggest that this variant may disrupt the consensus splice site. In summary, the available evidence is currently insufficient to determine the role of this variant in disease. Therefore, it has been classified as a Variant of Uncertain Significance.

Laboratory for Molecular Medicine, Mass General Brigham Personalized Medicine
Classification: Uncertain significance. Last evaluated: 2014-04-04. Review status: criteria provided, single submitter. Criteria: LMM Criteria. Collection method: clinical testing. Allele origin: germline. Observed: 2 variant alleles.
Comment: proposed classification - variant undergoing re-assessment, contact laboratory

Literature cited by the submitters: PubMed 16199547 (cited by Labcorp Genetics (formerly Invitae), Labcorp); PubMed 18506004 (cited by Laboratory for Molecular Medicine, Mass General Brigham Personalized Medicine).